The following is an entry in ClinVar:

ClinVar aggregate classification (germline): Uncertain significance (1 of 4 stars; one submission).

Conditions:
Vici syndrome (VICIS). Identifiers: Orphanet 1493, MedGen C1855772, MONDO:0009452, OMIM 242840.

gnomAD v4.1: 1 of 1,614,132 alleles (0.000062%); highest among the groups gnomAD compares: Non-Finnish European, 0.000085%; no homozygotes.

Submission:

Next Generation Genetic Polyclinic
Classification: Uncertain significance for Vici syndrome. Last evaluated: 2025-04-21. Review status: criteria provided, single submitter. Criteria: ACMG Guidelines, 2015. Collection method: clinical testing. Allele origin: germline. Affected: yes. Observed: 1 variant allele.
Comment: A novel missense variant in the EPG5 gene (c.6368T>G) was identified by clinical testing in a homozygous state. The variant is absent from population databases and has uncertain clinical significance. Sanger sequencing confirmed variant presence. Currently, it is classified as a Variant of Uncertain Significance (VUS).

NM_020964.3(EPG5):c.6368T>G (p.Met2123Arg)

Gene: EPG5 (ectopic P-granules 5 autophagy tethering factor; minus strand). Cytogenetic location: 18q12.3.
Variant type: single nucleotide variant.
Coding change: c.6368T>G on transcript NM_020964.3 (MANE Select); coding-DNA position 6368, T replaced by G.
Protein change: p.Met2123Arg; replaces methionine 2123 with arginine.
Molecular consequence: missense variant.
Genome position (GRCh38, 1-based): chr18:45,867,606, A>C on the plus strand (T>G on the coding strand, the complement: EPG5 is on the minus strand). VCF-style: chr18-45867606-A-C. GRCh37 (hg19) VCF-style: chr18-43447571-A-C.
Other names: c.6368T>G, p.Met2123Arg (NM_001410858.1); c.6365T>G, p.Met2122Arg (NM_001410859.1); short protein forms M2122R, M2123R.
Identifiers: ClinVar variation 4071537 (VCV004071537.1).